The following is an entry in ClinVar:

ClinVar aggregate classification (germline): Likely benign (0 of 4 stars; one submission).

Conditions:
CIC-related disorder. Also called: CIC-related condition.

gnomAD v4.1: 4 of 398,858 alleles (0.001%); highest among the groups gnomAD compares: Middle Eastern, 0.062%; no homozygotes.

Submission:

PreventionGenetics, part of Exact Sciences
Classification: Likely benign for CIC-related condition. Last evaluated: 2024-08-14. Review status: no assertion criteria provided. Collection method: clinical testing. Allele origin: germline.
Comment: This variant is classified as likely benign based on ACMG/AMP sequence variant interpretation guidelines (Richards et al. 2015 PMID: 25741868, with internal and published modifications).

NM_001386298.1(CIC):c.2697C>T (p.His899=)

Gene: CIC (capicua transcriptional repressor; plus strand). Cytogenetic location: 19q13.2.
Variant type: single nucleotide variant.
Coding change: c.2697C>T on transcript NM_001386298.1 (MANE Select); coding-DNA position 2697, C replaced by T.
Protein change: p.His899=; no amino-acid change (histidine 899 retained).
Molecular consequence: synonymous variant.
Genome position (GRCh38, 1-based): chr19:42,274,480, C>T. VCF-style: chr19-42274480-C-T. GRCh37 (hg19) VCF-style: chr19-42778632-C-T.
Other names: c.2697C>T, p.His899= (NM_001304815.2, NM_001379480.1, NM_001379482.1).
Identifiers: ClinVar variation 3356951 (VCV003356951.1).